The following is an entry in ClinVar:

NM_002471.4(MYH6):c.5513C>G (p.Ser1838Trp)

Gene: MYH6 (myosin heavy chain 6; minus strand). Cytogenetic location: 14q11.2.
Variant type: single nucleotide variant.
Coding change: c.5513C>G on transcript NM_002471.4 (MANE Select); coding-DNA position 5513, C replaced by G.
Protein change: p.Ser1838Trp; replaces serine 1838 with tryptophan.
Molecular consequence: missense variant.
Genome position (GRCh38, 1-based): chr14:23,384,494, G>C on the plus strand (C>G on the coding strand, the complement: MYH6 is on the minus strand). VCF-style: chr14-23384494-G-C. GRCh37 (hg19) VCF-style: chr14-23853703-G-C.
Other names: short protein forms S1838W.
Identifiers: ClinVar variation 1027640 (VCV001027640.3), dbSNP rs747673552, ClinGen allele CA388984032.

ClinVar aggregate classification (germline): Uncertain significance. Review status: criteria provided, multiple submitters, no conflicts (2 of 4 stars). 2 submissions from 2 submitters: Uncertain significance (2). Last evaluated 2021-03-15.

gnomAD v4.1: 2 of 1,612,828 alleles (0.00012%); highest among the groups gnomAD compares: Non-Finnish European, 0.00017%; no homozygotes.

Submissions (2):

Women's Health and Genetics/Laboratory Corporation of America, LabCorp
Classification: Uncertain significance. Last evaluated: 2021-03-15. Review status: criteria provided, single submitter. Criteria: LabCorp Variant Classification Summary - May 2015. Collection method: clinical testing. Allele origin: germline.
Comment: Variant summary: MYH6 c.5513C>G (p.Ser1838Trp) results in a non-conservative amino acid change located in the Myosin tail domain (IPR002928) of the encoded protein sequence. Five of five in-silico tools predict a damaging effect of the variant on protein function. The variant was absent in 250958 control chromosomes. The available data on variant occurrences in the general population are insufficient to allow any conclusion about variant significance. To our knowledge, no occurrence of c.5513C>G in individuals affected with Cardiomyopathy and no experimental evidence demonstrating its impact on protein function have been reported. No clinical diagnostic laboratories have submitted clinical-significance assessments for this variant to ClinVar after 2014. Based on the evidence outlined above, the variant was classified as uncertain significance.

GeneDx
Classification: Uncertain significance. Last evaluated: 2019-06-05. Review status: criteria provided, single submitter. Criteria: GeneDx Variant Classification Process June 2021. Collection method: clinical testing. Allele origin: germline. Affected: yes.
Comment: Has not been previously published as pathogenic or benign to our knowledge; Not observed in large population cohorts (Lek et al., 2016); In silico analysis, which includes protein predictors and evolutionary conservation, supports a deleterious effect